The following is an entry in ClinVar:

NM_001366521.1(ATP2B1):c.406+1G>A

Gene: ATP2B1 (ATPase plasma membrane Ca2+ transporting 1; minus strand). Cytogenetic location: 12q21.33.
Variant type: single nucleotide variant.
Coding change: c.406+1G>A on transcript NM_001366521.1 (MANE Select); the canonical splice donor site of the intron after coding-DNA position 406, G replaced by A.
Molecular consequence: splice donor variant. On other transcripts: intron variant (3).
Genome position (GRCh38, 1-based): chr12:89,642,157, C>T on the plus strand (G>A on the coding strand, the complement: ATP2B1 is on the minus strand). VCF-style: chr12-89642157-C-T. GRCh37 (hg19) VCF-style: chr12-90035934-C-T.
Other names: c.406+1G>A (NM_001682.2, NM_001413060.1, NM_001366531.1 and 24 more transcripts); c.209-6906G>A (NM_001413053.1, NM_001366530.1); c.209-7254G>A (NM_001413057.1).
Identifiers: ClinVar variation 2626973 (VCV002626973.2), dbSNP rs1883642606, ClinGen allele CA386128017.
Genomic context (GRCh38, chr12:89,642,157, plus strand): 5'-TTAACTAAATGAATTAGCTGAACTAGCATCAGACATGTCTTTTTTCCCCCCATTTACTTA[C>T]GTGCATTATCCCCTTCTGGAGGCTGATAAAAAGAAAGGCCCAATGATACTATGGCTGCAA-3'

ClinVar aggregate classification (germline): Conflicting classifications of pathogenicity. Review status: criteria provided, conflicting classifications (1 of 4 stars). 2 submissions from 2 submitters: Likely pathogenic (1); Uncertain significance (1). Last evaluated 2026-07-01.

Conditions:
Inborn genetic diseases. Identifiers: MedGen C0950123, MeSH D030342.
Intellectual developmental disorder, autosomal dominant 66. Also called: MENTAL RETARDATION, AUTOSOMAL DOMINANT 66. Identifiers: MedGen C5677000, MONDO:0030891, OMIM 619910.

Allele frequency attached by ClinVar (database versions not stated): TOPMed below 0.00001.

Submissions (2):

Ambry Genetics
Classification: Uncertain significance for Inborn genetic diseases. Last evaluated: 2026-07-01. Review status: criteria provided, single submitter. Criteria: Ambry Variant Classification Scheme 2023. Collection method: clinical testing. Allele origin: germline.
Comment: The c.406+1G>A intronic alteration consists of a G to A substitution one nucleotide after exon 2 (coding exon 2) of the ATP2B1 gene. Variants that disrupt the canonical splice site are expected to result in aberrant splicing. The resulting transcript is predicted to be in-frame and is not expected to trigger nonsense-mediated mRNA decay, although direct evidence is unavailable. This variant was not reported in population-based cohorts in the Genome Aggregation Database (gnomAD). This nucleotide position is highly conserved in available vertebrate species. In silico splice site analysis predicts that this alteration will weaken the native splice donor site. Based on insufficient or conflicting evidence, the clinical significance of this alteration remains unclear.

Greenwood Genetic Center Diagnostic Laboratories, Greenwood Genetic Center
Classification: Likely pathogenic for Intellectual developmental disorder, autosomal dominant 66. Last evaluated: 2023-09-28. Review status: criteria provided, single submitter. Criteria: ACMG Guidelines, 2015. Collection method: clinical testing. Allele origin: germline. Affected: yes.
Comment: PVS1, PM2